The following is an entry in ClinVar:

NM_000245.4(MET):c.3523-16CT[2]

Gene: MET (MET proto-oncogene, receptor tyrosine kinase; plus strand). Cytogenetic location: 7q31.2.
Variant type: Microsatellite.
Coding change: c.3523-16CT[2] on transcript NM_000245.4 (MANE Select); two copies in a row of the 2-base unit CT starting at c.3523-16; the reference has three copies in a row; one copy, 2 bases deleted.
Molecular consequence: intron variant.
Genome position (GRCh38, 1-based): chr7:116,781,976-116,781,977, CT deleted; deleting any 2 consecutive bases within chr7:116,781,972-116,781,977 gives the same sequence; the position shown is the placement nearest the transcript's 3' end. VCF-style (leftmost placement, unchanged base first): chr7-116781971-ACT-A. GRCh37 (hg19) VCF-style: chr7-116422025-ACT-A.
Other names: c.3577-16CT[2] (NM_001127500.3); c.2233-16CT[2] (NM_001324402.2).
Identifiers: ClinVar variation 2760568 (VCV002760568.4), dbSNP rs2485830786, ClinGen allele CA2684592495.

ClinVar aggregate classification (germline): Likely benign. Review status: criteria provided, multiple submitters, no conflicts (2 of 4 stars). 2 submissions from 2 submitters: Likely benign (2). Last evaluated 2024-11-13.

Conditions:
Renal cell carcinoma. Identifiers: Orphanet 217071, MedGen C0007134, MeSH D002292, MONDO:0005086, HP:0005584.
Papillary renal cell carcinoma type 1 (RCCP1). Also called: Renal adenocarcinoma; Renal cell carcinoma 1; Renal cell carcinoma, somatic; RENAL CELL CARCINOMA, PAPILLARY, 1, SOMATIC. Identifiers: Orphanet 47044, MedGen C1336839, OMIM 605074, HP:0011797.

Submissions (2):

Myriad Genetics, Inc.
Classification: Likely benign for Papillary renal cell carcinoma type 1. Last evaluated: 2024-11-13. Review status: criteria provided, single submitter. Criteria: Myriad Autosomal Dominant, Autosomal Recessive and X-Linked Classification Criteria (2023). Collection method: clinical testing. Allele origin: unknown.
Comment: This variant is considered likely benign. This variant is intronic and is not expected to impact mRNA splicing.

Labcorp Genetics (formerly Invitae), Labcorp
Classification: Likely benign for Renal cell carcinoma. Last evaluated: 2023-09-13. Review status: criteria provided, single submitter. Criteria: Invitae Variant Classification Sherloc (09022015). Collection method: clinical testing. Allele origin: germline.